The following is an entry in ClinVar:

ClinVar aggregate classification (germline): Pathogenic. Review status: criteria provided, multiple submitters, no conflicts (2 of 4 stars). 2 submissions from 2 submitters: Pathogenic (2). Last evaluated 2025-09-02.

Conditions:
Citrullinemia. Identifiers: Orphanet 187, MedGen C0175683, MONDO:0015991.
Citrullinemia type I (CTNL1). Also called: argininosuccinate synthetase deficiency; ASS DEFICIENCY. Identifiers: Orphanet 247525, MedGen C4721769, MONDO:0008988, OMIM 215700.

Submissions (2):

Women's Health and Genetics/Laboratory Corporation of America, LabCorp
Classification: Pathogenic for Citrullinemia. Last evaluated: 2025-09-02. Review status: criteria provided, single submitter. Criteria: LabCorp Variant Classification Summary - May 2015. Collection method: clinical testing. Allele origin: germline.
Comment: Variant summary: ASS1 c.1168G>C (p.Gly390Arg) results in a non-conservative amino acid change in the encoded protein sequence. Algorithms developed to predict the effect of missense changes on protein structure and function all suggest that this variant is likely to be disruptive. The variant was absent in 250658 control chromosomes. c.1168G>C has been observed in multiple homozygous and compound heterozygous individuals affected with Citrullinemia Type I (e.g. Kleijer_2006). These data indicate that the variant is very likely to be associated with disease. A different variant resulting in the same amino acid consequence has been classified as likely pathogenic/pathogenic by our lab (c.1168G>A, p.G390R), supporting the pathogenicity of this variant. To our knowledge, no experimental evidence demonstrating an impact on protein function has been reported. The following publication has been ascertained in the context of this evaluation (PMID: 16475226). ClinVar contains an entry for this variant (Variation ID: 4072068). Based on the evidence outlined above, the variant was classified as pathogenic.

Immunogenetics and Transplant Biology Service, University Hospital "Città della Salute e della Scienza di Torino"
Classification: Pathogenic for Citrullinemia type I. Last evaluated: 2025-06-28. Review status: criteria provided, single submitter. Criteria: ACMG Guidelines, 2015. Collection method: clinical testing. Allele origin: germline. Affected: yes.

Literature cited by the submitters: PubMed 16475226 (cited by Women's Health and Genetics/Laboratory Corporation of America, LabCorp).

NM_054012.4(ASS1):c.1168G>C (p.Gly390Arg)

Gene: ASS1 (argininosuccinate synthase 1; plus strand). Cytogenetic location: 9q34.11.
Variant type: single nucleotide variant.
Coding change: c.1168G>C on transcript NM_054012.4 (MANE Select); coding-DNA position 1168, G replaced by C.
Protein change: p.Gly390Arg; replaces glycine 390 with arginine.
Molecular consequence: missense variant.
Genome position (GRCh38, 1-based): chr9:130,499,545, G>C. VCF-style: chr9-130499545-G-C. GRCh37 (hg19) VCF-style: chr9-133374932-G-C.
Other names: c.1168G>C, p.Gly390Arg (NM_000050.4); short protein forms G390R.
Identifiers: ClinVar variation 4072068 (VCV004072068.2).
Genomic context (GRCh38, chr9:130,499,545, plus strand): 5'-AGCTTCTACTCTCCTTGCAGCATGAACGTGCAGGGTGATTATGAGCCAACTGATGCCACC[G>C]GGTTCATCAACATCAATTCCCTCAGGTGAGAAGCTCAGGGCCCTGACGGGCCTTCAGAGC-3'
Protein context (NP_446464.1, residues 380-400): QGDYEPTDAT[Gly390Arg]FININSLRLK